The following is an entry in ClinVar:

ClinVar aggregate classification (germline): Pathogenic (1 of 4 stars; one submission).

Conditions:
PMM2-congenital disorder of glycosylation. Also called: CDG Ia; PHOSPHOMANNOMUTASE 2 DEFICIENCY; JAEKEN SYNDROME; Congenital disorder of glycosylation, type Ia; CARBOHYDRATE-DEFICIENT GLYCOPROTEIN SYNDROME, TYPE Ia; PMM2-CDG. Identifiers: Orphanet 79318, MedGen C0349653, MONDO:0008907, OMIM 212065.

Submission:

Labcorp Genetics (formerly Invitae), Labcorp
Classification: Pathogenic for PMM2-congenital disorder of glycosylation. Last evaluated: 2021-02-14. Review status: criteria provided, single submitter. Criteria: Invitae Variant Classification Sherloc (09022015). Collection method: clinical testing. Allele origin: germline.
Comment: This variant is not present in population databases (ExAC no frequency). This sequence change creates a premature translational stop signal (p.Pro20Argfs*16) in the PMM2 gene. It is expected to result in an absent or disrupted protein product. Loss-of-function variants in PMM2 are known to be pathogenic (PMID: 19862844). This variant has not been reported in the literature in individuals with PMM2-related conditions. For these reasons, this variant has been classified as Pathogenic.

Literature cited by the submitters: PubMed 19862844.

NM_000303.3(PMM2):c.59del (p.Pro20fs)

Gene: PMM2 (phosphomannomutase 2; plus strand). Cytogenetic location: 16p13.2.
Variant type: Deletion.
Coding change: c.59del on transcript NM_000303.3 (MANE Select); coding-DNA position 59, one base deleted (C; older notation c.59delC).
Protein change: p.Pro20fs; shifts the reading frame from proline 20.
Molecular consequence: frameshift variant.
Genome position (GRCh38, 1-based): chr16:8,797,941, C deleted; the last of 4 consecutive C bases (chr16:8,797,938-8,797,941); deleting any one gives the same sequence. VCF-style (leftmost placement, unchanged base first): chr16-8797937-GC-G. GRCh37 (hg19) VCF-style: chr16-8891794-GC-G.
Other names: short protein forms P20fs.
Identifiers: ClinVar variation 1367452 (VCV001367452.6), dbSNP rs2141014161, ClinGen allele CA2573152100.